The following is an entry in ClinVar:

NM_182758.4(WDR72):c.*3592A>G

Gene: WDR72 (WD repeat domain 72; minus strand). Cytogenetic location: 15q21.3.
Variant type: single nucleotide variant.
Coding change: c.*3592A>G on transcript NM_182758.4 (MANE Select); 3592 bases downstream of the stop codon, A replaced by G.
Molecular consequence: 3 prime UTR variant. On other transcripts: non-coding transcript variant (3).
Genome position (GRCh38, 1-based): chr15:53,514,107, T>C on the plus strand (A>G on the coding strand, the complement: WDR72 is on the minus strand). VCF-style: chr15-53514107-T-C. GRCh37 (hg19) VCF-style: chr15-53806304-T-C.
Other names: c.*3592A>G (NM_001277176.2).
Identifiers: ClinVar variation 887399 (VCV000887399.4), dbSNP rs111488180, ClinGen allele CA271074452.

ClinVar aggregate classification (germline): Likely benign (1 of 4 stars; one submission).

Conditions:
Amelogenesis imperfecta hypomaturation type 2A3. Also called: Amelogenesis imperfecta, type IIA3. Identifiers: Orphanet 88661, MedGen C2750771, MONDO:0013181, OMIM 613211. Disease mechanism: loss of function.

Allele frequency attached by ClinVar (database versions not stated): gnomAD 0.00564 and 0.00592; TOPMed 0.00649; 1000 Genomes Project 0.00759; 1000 Genomes Project 30x 0.00812.

Submission:

Illumina Laboratory Services, Illumina
Classification: Likely benign for Amelogenesis imperfecta hypomaturation type 2A3. Last evaluated: 2018-01-13. Review status: criteria provided, single submitter. Criteria: ICSL Variant Classification Criteria 13 December 2019. Collection method: clinical testing. Allele origin: germline.
Comment: This variant was observed in the ICSL laboratory as part of a predisposition screen in an ostensibly healthy population. It had not been previously curated by ICSL or reported in the Human Gene Mutation Database (HGMD: prior to June 1st, 2018), and was therefore a candidate for classification through an automated scoring system. Utilizing variant allele frequency, disease prevalence and penetrance estimates, and inheritance mode, an automated score was calculated to assess if this variant is too frequent to cause the disease. Based on the score and internal cut-off values, a variant classified as likely benign is not then subjected to further curation. The score for this variant resulted in a classification of likely benign for this disease.